The following is an entry in ClinVar:

ClinVar aggregate classification (germline): Benign/Likely benign. Review status: criteria provided, multiple submitters, no conflicts (2 of 4 stars). 4 submissions from 4 submitters: Benign (2); Likely benign (2). Last evaluated 2018-06-16.

Allele frequency attached by ClinVar (database versions not stated): 1000 Genomes Project 0.02496; 1000 Genomes Project 30x 0.02733; gnomAD 0.05599; TOPMed 0.05643; ExAC 0.06041; ESP Exome Variant Server 0.06585.

Submissions (4):

GeneDx
Classification: Benign. Last evaluated: 2018-06-16. Review status: criteria provided, single submitter. Criteria: GeneDx Variant Classification (06012015). Collection method: clinical testing. Allele origin: germline. Affected: yes.
Comment: This variant is considered likely benign or benign based on one or more of the following criteria: it is a conservative change, it occurs at a poorly conserved position in the protein, it is predicted to be benign by multiple in silico algorithms, and/or has population frequency not consistent with disease.

Eurofins Ntd Llc (ga)
Classification: Benign. Last evaluated: 2012-10-16. Review status: criteria provided, single submitter. Criteria: EGL Classification Definitions 2015. Collection method: clinical testing. Allele origin: germline. Observed: 3 variant alleles, 3 heterozygotes.

Breakthrough Genomics
Classification: Likely benign. Review status: criteria provided, single submitter. Criteria: ACMG Guidelines, 2015. Collection method: not provided. Allele origin: germline. Inheritance: Autosomal recessive inheritance. Affected: yes.

PreventionGenetics, part of Exact Sciences
Classification: Likely benign. Review status: criteria provided, single submitter. Criteria: ACMG Guidelines, 2015. Collection method: clinical testing. Allele origin: germline.

NM_001849.4(COL6A2):c.1970-23G>C

Gene: COL6A2 (collagen type VI alpha 2 chain; plus strand). Cytogenetic location: 21q22.3.
Variant type: single nucleotide variant.
Coding change: c.1970-23G>C on transcript NM_001849.4 (MANE Select); 23 bases into the intron before coding-DNA position 1970, G replaced by C.
Molecular consequence: intron variant.
Genome position (GRCh38, 1-based): chr21:46,125,762, G>C. VCF-style: chr21-46125762-G-C. GRCh37 (hg19) VCF-style: chr21-47545676-G-C.
Other names: c.1970-23G>C (NM_058175.3, NM_058174.3).
Identifiers: ClinVar variation 93926 (VCV000093926.7), dbSNP rs78764604, ClinGen allele CA147452.
Genomic context (GRCh38, chr21:46,125,762, plus strand): 5'-CCCTCCAACGAGGGCCTCTGCATGGCTGGGGATGCCCCAGACCCCGAGGCCTCTGGCAAC[G>C]ACCTCACGCGTGCGGCTTGCAGGGACGCGTGTGGGCGTGGTGCAGTACAGCCACGAGGGC-3'